The following is an entry in ClinVar:

NM_018129.4(PNPO):c.*904A>G

Gene: PNPO (pyridoxamine 5'-phosphate oxidase; plus strand). Cytogenetic location: 17q21.32.
Variant type: single nucleotide variant.
Coding change: c.*904A>G on transcript NM_018129.4 (MANE Select); 904 bases downstream of the stop codon, A replaced by G.
Molecular consequence: 3 prime UTR variant.
Genome position (GRCh38, 1-based): chr17:47,947,686, A>G. VCF-style: chr17-47947686-A-G. GRCh37 (hg19) VCF-style: chr17-46025052-A-G.
Identifiers: ClinVar variation 323927 (VCV000323927.6), dbSNP rs1962201, ClinGen allele CA10646062.

ClinVar aggregate classification (germline): Benign. Review status: criteria provided, multiple submitters, no conflicts (2 of 4 stars). 2 submissions from 2 submitters: Benign (2). Last evaluated 2018-01-13.

Conditions:
Pyridoxal phosphate-responsive seizures (PNPOD). Also called: Pyridoxal 5'-Phosphate (PLP)-Dependent Epilepsy; EPILEPTIC ENCEPHALOPATHY, NEONATAL, PNPO-RELATED; Pyridoxamine 5-Prime-Phosphate Oxidase Deficiency; Pyridoxine-5'-phosphate oxidase deficiency; SEIZURES, PYRIDOXINE-RESISTANT, PLP-SENSITIVE. Identifiers: Orphanet 79096, MedGen C1864723, MONDO:0012407, OMIM 610090. Disease mechanism: loss of function.

Allele frequency attached by ClinVar (database versions not stated): gnomAD 0.64931 and 0.65691; TOPMed 0.66255; 1000 Genomes Project 30x 0.68520; 1000 Genomes Project 0.68770.

Submissions (2):

Illumina Laboratory Services, Illumina
Classification: Benign for Pyridoxal phosphate-responsive seizures. Last evaluated: 2018-01-13. Review status: criteria provided, single submitter. Criteria: ICSL Variant Classification Criteria 13 December 2019. Collection method: clinical testing. Allele origin: germline.
Comment: This variant was observed in the ICSL laboratory as part of a predisposition screen in an ostensibly healthy population. It had not been previously curated by ICSL or reported in the Human Gene Mutation Database (HGMD: prior to June 1st, 2018), and was therefore a candidate for classification through an automated scoring system. Utilizing variant allele frequency, disease prevalence and penetrance estimates, and inheritance mode, an automated score was calculated to assess if this variant is too frequent to cause the disease. Based on the score and internal cut-off values, a variant classified as benign is not then subjected to further curation. The score for this variant resulted in a classification of benign for this disease.

Breakthrough Genomics
Classification: Benign. Review status: criteria provided, single submitter. Criteria: ACMG Guidelines, 2015. Collection method: not provided. Allele origin: germline. Inheritance: Autosomal recessive inheritance. Affected: yes.